The following is an entry in ClinVar:

NM_001367949.2(FAT3):c.10287T>C (p.Thr3429=)

Gene: FAT3 (FAT atypical cadherin 3; plus strand). Cytogenetic location: 11q14.3.
Variant type: single nucleotide variant.
Coding change: c.10287T>C on transcript NM_001367949.2 (MANE Select); coding-DNA position 10287, T replaced by C.
Protein change: p.Thr3429=; no amino-acid change (threonine 3429 retained).
Molecular consequence: synonymous variant.
Genome position (GRCh38, 1-based): chr11:92,837,725, T>C. VCF-style: chr11-92837725-T-C. GRCh37 (hg19) VCF-style: chr11-92570891-T-C.
Other names: c.10287T>C, p.Thr3429= (NM_001008781.3).
Identifiers: ClinVar variation 2642281 (VCV002642281.24), dbSNP rs1268494070, ClinGen allele CA476257835.

ClinVar aggregate classification (germline): Likely benign (1 of 4 stars; one submission).

Allele frequency attached by ClinVar (database versions not stated): gnomAD exomes below 0.00001.
gnomAD v4.1: 1 of 1,614,000 alleles (0.000062%); highest among the groups gnomAD compares: South Asian, 0.0011%; no homozygotes.

Submission:

CeGaT Center for Human Genetics Tuebingen
Classification: Likely benign. Last evaluated: 2022-09-01. Review status: criteria provided, single submitter. Criteria: CeGaT Center For Human Genetics Tuebingen Variant Classification Criteria Version 2. Collection method: clinical testing. Allele origin: germline. Affected: yes. Observed: 1 variant allele.
Comment: FAT3: BP4, BP7